The following is an entry in ClinVar:

NM_001999.4(FBN2):c.2863+23G>T

Gene: FBN2 (fibrillin 2; minus strand). Cytogenetic location: 5q23.3.
Variant type: single nucleotide variant.
Coding change: c.2863+23G>T on transcript NM_001999.4 (MANE Select); 23 bases into the intron after coding-DNA position 2863, G replaced by T.
Molecular consequence: intron variant.
Genome position (GRCh38, 1-based): chr5:128,349,932, C>A on the plus strand (G>T on the coding strand, the complement: FBN2 is on the minus strand). VCF-style: chr5-128349932-C-A. GRCh37 (hg19) VCF-style: chr5-127685624-C-A.
Identifiers: ClinVar variation 258514 (VCV000258514.2), dbSNP rs255690, ClinGen allele CA3395422.

ClinVar aggregate classification (germline): Benign. Review status: criteria provided, multiple submitters, no conflicts (2 of 4 stars). 2 submissions from 2 submitters: Benign (2). Last evaluated 2018-06-14.

Allele frequency attached by ClinVar (database versions not stated): 1000 Genomes Project 30x 0.19160; 1000 Genomes Project 0.19249; gnomAD 0.23996; TOPMed 0.25390; ESP Exome Variant Server 0.27087; ExAC 0.28093.
gnomAD v4.1: 500,342 of 1,577,716 alleles (32%); highest among the groups gnomAD compares: Non-Finnish European, 35%; 84,803 homozygotes.

Submissions (2):

GeneDx
Classification: Benign. Last evaluated: 2018-06-14. Review status: criteria provided, single submitter. Criteria: GeneDx Variant Classification (06012015). Collection method: clinical testing. Allele origin: germline. Affected: yes.
Comment: This variant is considered likely benign or benign based on one or more of the following criteria: it is a conservative change, it occurs at a poorly conserved position in the protein, it is predicted to be benign by multiple in silico algorithms, and/or has population frequency not consistent with disease.

PreventionGenetics, part of Exact Sciences
Classification: Benign. Review status: criteria provided, single submitter. Criteria: ACMG Guidelines, 2015. Collection method: clinical testing. Allele origin: germline.